The following is an entry in ClinVar:

NM_004247.4(EFTUD2):c.784C>T (p.Arg262Trp)

Gene: EFTUD2 (elongation factor Tu GTP binding domain containing 2; minus strand). Cytogenetic location: 17q21.31.
Variant type: single nucleotide variant.
Coding change: c.784C>T on transcript NM_004247.4 (MANE Select); coding-DNA position 784, C replaced by T.
Protein change: p.Arg262Trp; replaces arginine 262 with tryptophan.
Molecular consequence: missense variant.
Genome position (GRCh38, 1-based): chr17:44,876,019, G>A on the plus strand (C>T on the coding strand, the complement: EFTUD2 is on the minus strand). VCF-style: chr17-44876019-G-A. GRCh37 (hg19) VCF-style: chr17-42953387-G-A.
Other names: c.679C>T, p.Arg227Trp (NM_001142605.2); c.784C>T, p.Arg262Trp (NM_001258353.2); c.754C>T, p.Arg252Trp (NM_001258354.2); short protein forms R262W, R227W, R252W.
Identifiers: ClinVar variation 30400 (VCV000030400.16), dbSNP rs387906877, ClinGen allele CA259795.
Genomic context (GRCh38, chr17:44,876,019, plus strand): 5'-CAATGTGGCGCAGCTTGTAATAAGCATCAGTTGGAGGCAGCTTCAGCTCCAGGATCAGCC[G>A]GTCAATCTTGTTGATGCACACAGTGACTGCCAGCCTCTCCTGCACCGCATGCTTGATCAG-3'
Protein context (NP_004238.3, residues 252-272): AVTVCINKID[Arg262Trp]LILELKLPPT

ClinVar aggregate classification (germline): Pathogenic. Review status: criteria provided, multiple submitters, no conflicts (2 of 4 stars). 8 submissions from 8 submitters: Pathogenic (5). 3 of the submissions do not count toward it. Last evaluated 2025-02-28.

Conditions:
EFTUD2-related disorders.
Mandibulofacial dysostosis-microcephaly syndrome (MFDGA). Also called: Growth and mental retardation, mandibulofacial dysostosis, microcephaly, and cleft palate; Mandibulofacial dysostosis, Guion-Almeida type. Identifiers: Orphanet 79113, MedGen C1864652, MONDO:0012516, OMIM 610536.

Submissions (8):

GeneDx
Classification: Pathogenic. Last evaluated: 2025-02-28. Review status: criteria provided, single submitter. Criteria: GeneDx Variant Classification Process June 2021. Collection method: clinical testing. Allele origin: germline. Affected: yes.
Comment: Not observed at significant frequency in large population cohorts (gnomAD); In silico analysis supports that this missense variant has a deleterious effect on protein structure/function; This variant is associated with the following publications: (PMID: 32333448, 22305528, 19334086, 25387991, 26507355, 27895973, 35982159, 33057194, 36317361, 35640668)

Blueprint Genetics
Classification: Pathogenic for EFTUD2-related disorders. Last evaluated: 2024-05-14. Review status: criteria provided, single submitter. Criteria: ACMG Guidelines, 2015. Collection method: clinical testing. Allele origin: germline. Affected: yes. Observed: 2 variant alleles.

Labcorp Genetics (formerly Invitae), Labcorp
Classification: Pathogenic. Last evaluated: 2024-01-13. Review status: criteria provided, single submitter. Criteria: Invitae Variant Classification Sherloc (09022015). Collection method: clinical testing. Allele origin: germline.
Comment: This sequence change replaces arginine, which is basic and polar, with tryptophan, which is neutral and slightly polar, at codon 262 of the EFTUD2 protein (p.Arg262Trp). This variant is not present in population databases (gnomAD no frequency). This missense change has been observed in individual(s) with mandibulofacial dysostosis with microcephaly (PMID: 22305528, 25387991, 26507355). In at least one individual the variant was observed to be de novo. ClinVar contains an entry for this variant (Variation ID: 30400). Advanced modeling of protein sequence and biophysical properties (such as structural, functional, and spatial information, amino acid conservation, physicochemical variation, residue mobility, and thermodynamic stability) performed at Invitae indicates that this missense variant is not expected to disrupt EFTUD2 protein function with a negative predictive value of 80%. Studies have shown that this missense change does not affect mRNA splicing (PMID: 32333448). For these reasons, this variant has been classified as Pathogenic.

Fulgent Genetics
Classification: Pathogenic for Mandibulofacial dysostosis-microcephaly syndrome. Last evaluated: 2022-02-08. Review status: criteria provided, single submitter. Criteria: ACMG Guidelines, 2015. Collection method: clinical testing. Allele origin: unknown.

Genetic Services Laboratory, University of Chicago
Classification: Pathogenic for Mandibulofacial dysostosis, Guion-Almeida type. Last evaluated: 2014-11-07. Review status: criteria provided, single submitter. Criteria: ACMG Guidelines, 2015. Collection method: clinical testing. Allele origin: germline. Affected: yes.

OMIM
Classification: Pathogenic for MANDIBULOFACIAL DYSOSTOSIS, GUION-ALMEIDA TYPE. Last evaluated: 2012-02-10. Review status: no assertion criteria provided. Collection method: literature only. Allele origin: germline. Not counted in ClinVar's aggregate classification.

Genome Diagnostics Laboratory, Amsterdam University Medical Center
Classification: Pathogenic. Review status: no assertion criteria provided. Collection method: clinical testing. Allele origin: germline. Affected: yes. Study: VKGL Data-share Consensus. Not counted in ClinVar's aggregate classification.

Joint Genome Diagnostic Labs from Nijmegen and Maastricht, Radboudumc and MUMC+
Classification: Pathogenic. Review status: no assertion criteria provided. Collection method: clinical testing. Allele origin: germline. Affected: yes. Study: VKGL Data-share Consensus. Not counted in ClinVar's aggregate classification.

Literature cited by the submitters: PubMed 22305528 (cited by Labcorp Genetics (formerly Invitae), Labcorp and OMIM); PubMed 25387991 (cited by Labcorp Genetics (formerly Invitae), Labcorp); PubMed 26507355 (cited by Labcorp Genetics (formerly Invitae), Labcorp); PubMed 32333448 (cited by Labcorp Genetics (formerly Invitae), Labcorp); PubMed 19334086 (cited by OMIM).